The following is an entry in ClinVar:

NM_001252024.2(TRPM1):c.281A>G (p.Tyr94Cys)

Gene: TRPM1 (transient receptor potential cation channel subfamily M member 1; minus strand). Cytogenetic location: 15q13.3.
Variant type: single nucleotide variant.
Coding change: c.281A>G on transcript NM_001252024.2 (MANE Select); coding-DNA position 281, A replaced by G.
Protein change: p.Tyr94Cys; replaces tyrosine 94 with cysteine.
Molecular consequence: missense variant.
Genome position (GRCh38, 1-based): chr15:31,068,091, T>C on the plus strand (A>G on the coding strand, the complement: TRPM1 is on the minus strand). VCF-style: chr15-31068091-T-C. GRCh37 (hg19) VCF-style: chr15-31360294-T-C.
Other names: c.332A>G, p.Tyr111Cys (NM_001252020.2); c.215A>G, p.Tyr72Cys (NM_002420.6); c.332A>G (NM_001252020.1); short protein forms Y94C, Y111C, Y72C.
Identifiers: ClinVar variation 863108 (VCV000863108.56), dbSNP rs200514769, ClinGen allele CA7452986.
Genomic context (GRCh38, chr15:31,068,091, plus strand): 5'-CAATCTTTCACCATGAGATGGAGCAGTGAGTCTGGCTTGGTGTCATAGGATACACGGATA[T>C]ACTGTGAAAGAGTGTGTGGCACTCAGCCTCTGTTCTTGGTTTTGCTTCTCGTGTCAAAGG-3'
Protein context (NP_001238953.1, residues 84-104): QGGGYSNKAM[Tyr94Cys]IRVSYDTKPD

ClinVar aggregate classification (germline): Pathogenic/Likely pathogenic. Review status: criteria provided, multiple submitters, no conflicts (2 of 4 stars). 10 submissions from 10 submitters: Pathogenic (8); Likely pathogenic (2). Last evaluated 2026-07-16.

Conditions:
TRPM1-related disorder. Also called: TRPM1-related condition.
Retinal disorder. Also called: Retinopathy; Retinal disorders; Retinopathies; Retinal Diseases. Identifiers: MedGen C0035309, MONDO:0005283, HP:0000488.
Retinal dystrophy. Also called: Inherited retinal dystrophy. Identifiers: Orphanet 71862, MedGen C0854723, MeSH D058499, MONDO:0019118, HP:0000556.
Congenital stationary night blindness 1C. Also called: Night blindness, congenital stationary (complete), 1C, autosomal recessive. Identifiers: Orphanet 215, MedGen C2750747, MONDO:0013183, OMIM 613216.

Allele frequency attached by ClinVar (database versions not stated): TOPMed 0.00015; gnomAD exomes 0.00016 and 0.00024; ExAC 0.00018; gnomAD 0.00019 and 0.00022; ESP Exome Variant Server 0.00032.

Submissions (10):

North West Genomic Laboratory Hub, Manchester University NHS Foundation Trust
Classification: Pathogenic for Retinal disorders. Last evaluated: 2026-07-16. Review status: criteria provided, single submitter. Criteria: ACGS Best Practice Guidelines for Variant Classification in Rare Disease 2024. Collection method: clinical testing. Allele origin: germline. Affected: yes.
Comment: PM2_Mod PP3_Supp PM3_VStr

PreventionGenetics, part of Exact Sciences
Classification: Pathogenic for TRPM1-related condition. Last evaluated: 2026-05-08. Review status: criteria provided, single submitter. Criteria: ACMG Guidelines, 2015. Collection method: clinical testing. Allele origin: germline.
Comment: The TRPM1 c.332A>G variant is predicted to result in the amino acid substitution p.Tyr111Cys. This variant can also be denoted as c.215A>G (p.Tyr72Cys) in transcript NM_002420. This variant has been reported along with a second TRPM1 variant in individuals with congenital stationary night blindness (Audo et al. 2009. PubMed ID: 19896113; Table S1, Stone et al. 2017. PubMed ID: 28559085; Table S1, Haarman et al. 2022. PubMed ID: 35567543; Table S1, Weisschuh et al. 2024. PubMed ID: 37734845). At PreventionGenetics, this variant, along with a second TRPM1 variant, segregated with disease in siblings with early-onset high myopia (Internal Data). This variant is present in 0.036% of alleles in individuals of European (Finnish) descent in gnomAD. This variant is interpreted as pathogenic.

GeneDx
Classification: Likely pathogenic. Last evaluated: 2026-03-31. Review status: criteria provided, single submitter. Criteria: GeneDx Variant Classification Process June 2021. Collection method: clinical testing. Allele origin: germline.
Comment: In silico analysis supports that this missense variant has a deleterious effect on protein structure/function; This variant is associated with the following publications: (PMID: 34426522, 28559085, 35456422, 37734845, 35633130, 35567543, 38448886, 29522070, 19896113, 38927562)

Victorian Clinical Genetics Services, Murdoch Childrens Research Institute
Classification: Pathogenic for Congenital stationary night blindness 1C. Last evaluated: 2025-11-26. Review status: criteria provided, single submitter. Criteria: ACMG Guidelines, 2015. Collection method: clinical testing. Allele origin: germline. Affected: yes.
Comment: This variant is classified as Pathogenic. Evidence in support of pathogenic classification: Variant is present in gnomAD <0.01 for a recessive condition (v4: 383 heterozygote(s), 1 homozygote(s)); This variant has strong previous evidence of pathogenicity in unrelated individuals. This variant has been classified as pathogenic, likely pathogenic, and as a VUS by clinical laboratories in ClinVar. It has also been reported in the literature in individuals with eye abnormalities including congenital stationary night blindness (PMIDs: 35633130, 19896113, 29522070, 28838317, 39462066, 37734845, 28559085, 35456422); Missense variant predicted to be damaging by in silico tool(s) or highly conserved with a major amino acid change. Additional information: Variant is predicted to result in a missense amino acid change from Tyr to Cys; This variant is heterozygous; This gene is associated with autosomal recessive disease; Alternative amino acid change(s) at the same position are present in gnomAD (highest allele count: v4: 2 heterozygote(s), 0 homozygote(s)); Other missense variant(s) comparable to the one identified in this case have inconclusive previous evidence for pathogenicity. p.(Tyr94His) and p.(Tyr94Asp) have been classified as likely pathogenic and as a VUS, respectively, by clinical laboratories in ClinVar; Variant is located in the annotated LSDAT_euk domain (DECIPHER); Loss of function is a known mechanism of disease in this gene and is associated with autosomal recessive congenital stationary (complete) night blindness, 1C (MIM#613216); Heterozygous variant detected in trans with a second PATHOGENIC heterozygous variant (NM_001252024.2(TRPM1):c.362T>C; p.(Leu121Pro)) in a recessive disease; Inheritance information for this variant is not currently available in this individual.

First Genomix Gene Laboratory, Genetic Diagnostics Department
Classification: Pathogenic for Congenital stationary night blindness 1C. Last evaluated: 2025-09-19. Review status: criteria provided, single submitter. Criteria: ACMG Guidelines, 2015. Collection method: clinical testing. Allele origin: germline. Inheritance: Autosomal recessive inheritance. Affected: no. Observed: 1 variant allele.

Labcorp Genetics (formerly Invitae), Labcorp
Classification: Pathogenic. Last evaluated: 2025-07-30. Review status: criteria provided, single submitter. Criteria: Invitae Variant Classification Sherloc (09022015). Collection method: clinical testing. Allele origin: germline.
Comment: This sequence change replaces tyrosine, which is neutral and polar, with cysteine, which is neutral and slightly polar, at codon 72 of the TRPM1 protein (p.Tyr72Cys). This variant is present in population databases (rs200514769, gnomAD 0.04%). This missense change has been observed in individual(s) with congenital stationary night blindness (CSNB) (PMID: 19896113, 28559085, 29522070). In at least one individual the data is consistent with being in trans (on the opposite chromosome) from a pathogenic variant. It has also been observed to segregate with disease in related individuals. ClinVar contains an entry for this variant (Variation ID: 863108). Invitae Evidence Modeling of protein sequence and biophysical properties (such as structural, functional, and spatial information, amino acid conservation, physicochemical variation, residue mobility, and thermodynamic stability) indicates that this missense variant is expected to disrupt TRPM1 protein function with a positive predictive value of 80%. For these reasons, this variant has been classified as Pathogenic.

CeGaT Center for Human Genetics Tuebingen
Classification: Pathogenic. Last evaluated: 2025-06-01. Review status: criteria provided, single submitter. Criteria: CeGaT Center For Human Genetics Tuebingen Variant Classification Criteria Version 2. Collection method: clinical testing. Allele origin: germline. Affected: yes. Observed: 5 variant alleles.
Comment: TRPM1: PM3:Very Strong, PM2:Supporting, PP3

Blueprint Genetics
Classification: Pathogenic for TRPM1-related disorders. Last evaluated: 2024-10-24. Review status: criteria provided, single submitter. Criteria: ACMG Guidelines, 2015. Collection method: clinical testing. Allele origin: germline. Affected: yes. Observed: 5 variant alleles.

AURAGEN, Plan France Médecine Génomique
Classification: Pathogenic for Retinal disorder. Last evaluated: 2022-03-29. Review status: criteria provided, single submitter. Criteria: PFMG2025 (Lancet Reg Health Eur. 2025). Collection method: clinical testing. Allele origin: germline. Affected: yes.

Institute of Human Genetics, Univ. Regensburg, Univ. Regensburg
Classification: Likely pathogenic for Retinal dystrophy. Last evaluated: 2021-01-01. Review status: criteria provided, single submitter. Criteria: ACMG Guidelines, 2015. Collection method: clinical testing. Allele origin: germline. Affected: yes.

Literature cited by the submitters: PubMed 28838317 (cited by Victorian Clinical Genetics Services, Murdoch Childrens Research Institute); PubMed 39462066 (cited by Victorian Clinical Genetics Services, Murdoch Childrens Research Institute); PubMed 19896113 (cited by 3 submitters); PubMed 35633130 (cited by Victorian Clinical Genetics Services, Murdoch Childrens Research Institute and Institute of Human Genetics, Univ. Regensburg, Univ. Regensburg); PubMed 29522070 (cited by Victorian Clinical Genetics Services, Murdoch Childrens Research Institute and Labcorp Genetics (formerly Invitae), Labcorp); PubMed 35456422 (cited by Victorian Clinical Genetics Services, Murdoch Childrens Research Institute and Institute of Human Genetics, Univ. Regensburg, Univ. Regensburg); PubMed 37734845 (cited by Victorian Clinical Genetics Services, Murdoch Childrens Research Institute); PubMed 28559085 (cited by 3 submitters); PubMed 34426522 (cited by Institute of Human Genetics, Univ. Regensburg, Univ. Regensburg); PubMed 35567543 (cited by Institute of Human Genetics, Univ. Regensburg, Univ. Regensburg).